The following is an entry in ClinVar:

ClinVar aggregate classification (germline): Uncertain significance (1 of 4 stars; one submission).

Conditions:
Hereditary cancer-predisposing syndrome. Also called: Hereditary neoplastic syndrome; Neoplastic Syndromes, Hereditary; Tumor predisposition; Hereditary Cancer Syndrome. Identifiers: Orphanet 140162, MedGen C0027672, MeSH D009386, MONDO:0015356.

Submission:

Ambry Genetics
Classification: Uncertain significance for Hereditary cancer-predisposing syndrome. Last evaluated: 2025-02-14. Review status: criteria provided, single submitter. Criteria: Ambry Variant Classification Scheme 2023. Collection method: clinical testing. Allele origin: germline.
Comment: The c.3291_3295delAGCCC variant, located in coding exon 19 of the BRIP1 gene, results from a deletion of 5 nucleotides at nucleotide positions 3291 to 3295, causing a translational frameshift with a predicted alternate stop codon (p.E1097Dfs*6). This alteration occurs at the 3' terminus of theBRIP1 gene, is not expected to trigger nonsense-mediated mRNAdecay, and impacts the last 12% of the protein. The exact functional effect of this alteration is unknown. Based on the available evidence, the clinical significance of this variant remains unclear.

NM_032043.3(BRIP1):c.3291_3295del (p.Glu1097fs)

Gene: BRIP1 (BRCA1 interacting DNA helicase 1; minus strand). Cytogenetic location: 17q23.2.
Variant type: Deletion.
Coding change: c.3291_3295del on transcript NM_032043.3 (MANE Select); coding-DNA positions 3291 to 3295, 5 bases deleted (AGCCC; older notation c.3291_3295delAGCCC).
Protein change: p.Glu1097fs; shifts the reading frame from glutamic acid 1097.
Molecular consequence: frameshift variant.
Genome position (GRCh38, 1-based): chr17:61,683,751-61,683,755, GGGCT deleted on the plus strand (AGCCC on the coding strand, the reverse complement: BRIP1 is on the minus strand). VCF-style (leftmost placement, unchanged base first): chr17-61683750-AGGGCT-A. GRCh37 (hg19) VCF-style: chr17-59761111-AGGGCT-A.
Other names: short protein forms E1097fs.
Identifiers: ClinVar variation 3825685 (VCV003825685.1).
Genomic context (GRCh38, chr17:61,683,750, plus strand): 5'-CTATTTGAAGTGGACTGTTTATCTTCTTCACTTACTAGAGACAATTCAATGTCTGGATCC[AGGGCT>A]TCTTCAGAACAGAGCGGATGTTCAGAATGATTTTTTCTAGTAAGGGTGGCATCAATCTTT-3'